The following is an entry in ClinVar:

ClinVar aggregate classification (germline): Uncertain significance (1 of 4 stars; one submission).

Conditions:
Fibrous dysplasia of jaw (CRBM). Also called: Cherubism. Identifiers: Orphanet 184, MedGen C0008029, MONDO:0007315, OMIM 118400.

gnomAD v4.1: 17 of 1,613,308 alleles (0.0011%); highest among the groups gnomAD compares: Admixed American, 0.027%; no homozygotes.

Submission:

Labcorp Genetics (formerly Invitae), Labcorp
Classification: Uncertain significance for Fibrous dysplasia of jaw. Last evaluated: 2026-01-19. Review status: criteria provided, single submitter. Criteria: Invitae Variant Classification Sherloc (09022015). Collection method: clinical testing. Allele origin: germline.
Comment: This sequence change falls in intron 11 of the SH3BP2 gene. It does not directly change the encoded amino acid sequence of the SH3BP2 protein. It affects a nucleotide within the consensus splice site. This variant is present in population databases (rs769705243, gnomAD 0.03%). This variant has not been reported in the literature in individuals affected with SH3BP2-related conditions. Variants that disrupt the consensus splice site are a relatively common cause of aberrant splicing (PMID: 17576681, 9536098). Algorithms developed to predict the effect of sequence changes on RNA splicing suggest that this variant is not likely to affect RNA splicing. In summary, the available evidence is currently insufficient to determine the role of this variant in disease. Therefore, it has been classified as a Variant of Uncertain Significance.

Literature cited by the submitters: PubMed 17576681; PubMed 9536098.

NM_001122681.2(SH3BP2):c.1488+5G>A

Gene: SH3BP2 (SH3 domain binding protein 2; plus strand). Cytogenetic location: 4p16.3.
Variant type: single nucleotide variant.
Coding change: c.1488+5G>A on transcript NM_001122681.2 (MANE Select); 5 bases into the intron after coding-DNA position 1488, G replaced by A.
Molecular consequence: intron variant.
Genome position (GRCh38, 1-based): chr4:2,832,417, G>A. VCF-style: chr4-2832417-G-A. GRCh37 (hg19) VCF-style: chr4-2834144-G-A.
Other names: c.1572+5G>A (NM_001145855.2); c.1659+5G>A (NM_001145856.2); c.1488+5G>A (NM_003023.4).
Identifiers: ClinVar variation 4705149 (VCV004705149.1).
Genomic context (GRCh38, chr4:2,832,417, plus strand): 5'-GAGAGCCCCAGGATGGACTCTACTGCATCCGGAACTCCTCTACCAAGTCGGGGAAGGTAG[G>A]CGCCAGGGGAAGATGCCCCAGGGCCCCTCTGGCTCTCCACACACCCAGGCTGTGGGTGGG-3'